The following is an entry in ClinVar:

NM_000049.4(ASPA):c.922A>G (p.Ile308Val)

Genes: ASPA (aspartoacylase; plus strand), SPATA22 (spermatogenesis associated 22; minus strand). Cytogenetic location: 17p13.2.
Variant type: single nucleotide variant.
Coding change: c.922A>G on transcript NM_000049.4 (MANE Select); coding-DNA position 922, A replaced by G.
Protein change: p.Ile308Val; replaces isoleucine 308 with valine.
Molecular consequence: missense variant. On other transcripts: intron variant (2).
Genome position (GRCh38, 1-based): chr17:3,499,068, A>G. VCF-style: chr17-3499068-A-G. GRCh37 (hg19) VCF-style: chr17-3402362-A-G.
Other names: c.922A>G, p.Ile308Val (NM_001128085.1); c.-74+14344T>C (NM_001321336.2, NM_001321337.2); short protein forms I308V.
Identifiers: ClinVar variation 2570018 (VCV002570018.4), dbSNP rs555537960, ClinGen allele CA8289066.

ClinVar aggregate classification (germline): Uncertain significance. Review status: criteria provided, multiple submitters, no conflicts (2 of 4 stars). 2 submissions from 2 submitters: Uncertain significance (2). Last evaluated 2024-12-09.

Conditions:
Inborn genetic diseases. Identifiers: MedGen C0950123, MeSH D030342.
Spongy degeneration of central nervous system. Also called: ACY2 DEFICIENCY; AMINOACYLASE 2 DEFICIENCY; ASP DEFICIENCY; ASPA DEFICIENCY; ASPARTOACYLASE DEFICIENCY; CANAVAN-VAN BOGAERT-BERTRAND DISEASE. Identifiers: Orphanet 141, MedGen C0206307, MONDO:0010079, OMIM 271900.

Allele frequency attached by ClinVar (database versions not stated): 1000 Genomes Project 0.00020; gnomAD exomes below 0.00001; gnomAD 0.00001; 1000 Genomes Project 30x 0.00016; ExAC 0.00002; TOPMed below 0.00001.
gnomAD v4.1: 3 of 1,614,110 alleles (0.00019%); highest among the groups gnomAD compares: East Asian, 0.0067%; no homozygotes.

Submissions (2):

Labcorp Genetics (formerly Invitae), Labcorp
Classification: Uncertain significance for Spongy degeneration of central nervous system. Last evaluated: 2024-12-09. Review status: criteria provided, single submitter. Criteria: Invitae Variant Classification Sherloc (09022015). Collection method: clinical testing. Allele origin: germline.
Comment: This sequence change replaces isoleucine, which is neutral and non-polar, with valine, which is neutral and non-polar, at codon 308 of the ASPA protein (p.Ile308Val). This variant is present in population databases (rs555537960, gnomAD 0.01%). This variant has not been reported in the literature in individuals affected with ASPA-related conditions. ClinVar contains an entry for this variant (Variation ID: 2570018). An algorithm developed to predict the effect of missense changes on protein structure and function outputs the following: PolyPhen-2: "Benign". The valine amino acid residue is found in multiple mammalian species, which suggests that this missense change does not adversely affect protein function. In summary, the available evidence is currently insufficient to determine the role of this variant in disease. Therefore, it has been classified as a Variant of Uncertain Significance.

Ambry Genetics
Classification: Uncertain significance for Inborn genetic diseases. Last evaluated: 2023-05-30. Review status: criteria provided, single submitter. Criteria: Ambry Variant Classification Scheme 2023. Collection method: clinical testing. Allele origin: germline.